The following is an entry in ClinVar:

NM_001009944.3(PKD1):c.1816C>T (p.Arg606Trp)

Gene: PKD1 (polycystin 1, transient receptor potential channel interacting; minus strand). Cytogenetic location: 16p13.3.
Variant type: single nucleotide variant.
Coding change: c.1816C>T on transcript NM_001009944.3 (MANE Select); coding-DNA position 1816, C replaced by T.
Protein change: p.Arg606Trp; replaces arginine 606 with tryptophan.
Molecular consequence: missense variant.
Genome position (GRCh38, 1-based): chr16:2,116,025, G>A on the plus strand (C>T on the coding strand, the complement: PKD1 is on the minus strand). VCF-style: chr16-2116025-G-A. GRCh37 (hg19) VCF-style: chr16-2166026-G-A.
Other names: c.1816C>T, p.Arg606Trp (NM_000296.4); short protein forms R606W.
Identifiers: ClinVar variation 3034524 (VCV003034524.3), dbSNP rs1256105528, ClinGen allele CA394391066.
Genomic context (GRCh38, chr16:2,116,025, plus strand): 5'-CCCACCACCCACCACCCAGAGTCCCACCTGCTGTGCTGAGGAGCCGGTACACCTGCAGCC[G>A]CAGCTGGGCGGGCCGCCGGAGCTCCTGGGTCCCAAATTCGGCCGTGGTGAGGAAGGCTTC-3'
Protein context (NP_001009944.3, residues 596-616): TQELRRPAQL[Arg606Trp]LQVYRLLSTA

ClinVar aggregate classification (germline): Uncertain significance (1 of 4 stars; one submission).

Conditions:
PKD1-related disorder. Also called: PKD1-related condition.

Submission:

PreventionGenetics, part of Exact Sciences
Classification: Uncertain significance for PKD1-related condition. Last evaluated: 2025-10-28. Review status: criteria provided, single submitter. Criteria: ACMG Guidelines, 2015. Collection method: clinical testing. Allele origin: germline.
Comment: The PKD1 c.1816C>T variant is predicted to result in the amino acid substitution p.Arg606Trp. This variant was reported in an individual with autosomal dominant polycystic kidney disease (ADPKD) (Table S1, Kimura et al. 2023. PubMed ID: 37509056). In addition, this variant was also found in an individual with ADPKD (via panel testing) and an individual with polycystic kidney dysplasia (via whole genome sequencing testing) at PreventionGenetics (internal data). Of note, a different substitution at the same codon, defined as c.1817G>A (p.Arg606Gln), was reported in individuals with polycystic kidney disease (PKD) at PreventionGenetics (internal data). The c.1816C>T (p.Arg606Trp) variant has not been reported in a large population database (gnomAD), indicating this variant is rare. Although we suspect that this variant may be pathogenic, at this time, the clinical significance of this variant is uncertain due to the absence of conclusive functional and genetic evidence.